The following is an entry in ClinVar:

NM_006859.4(LIAS):c.1113C>A (p.Asp371Glu)

Gene: LIAS (lipoic acid synthetase; plus strand). Cytogenetic location: 4p14.
Variant type: single nucleotide variant.
Coding change: c.1113C>A on transcript NM_006859.4 (MANE Select); coding-DNA position 1113, C replaced by A.
Protein change: p.Asp371Glu; replaces aspartic acid 371 with glutamic acid.
Molecular consequence: missense variant. On other transcripts: 3 prime UTR variant (1).
Genome position (GRCh38, 1-based): chr4:39,477,109, C>A. VCF-style: chr4-39477109-C-A. GRCh37 (hg19) VCF-style: chr4-39478729-C-A.
Other names: c.984C>A, p.Asp328Glu (NM_001278590.2); c.804C>A, p.Asp268Glu (NM_001363700.2); c.*32C>A (NM_194451.3); short protein forms D268E, D371E, D328E.
Identifiers: ClinVar variation 939695 (VCV000939695.9), dbSNP rs1745219682, ClinGen allele CA356666006.

ClinVar aggregate classification (germline): Uncertain significance (1 of 4 stars; one submission).

Conditions:
Lipoic acid synthetase deficiency. Also called: HYPERGLYCINEMIA, LACTIC ACIDOSIS, AND SEIZURES. Identifiers: Orphanet 401859, MedGen C3280887, MONDO:0013762, OMIM 614462.

Submission:

Labcorp Genetics (formerly Invitae), Labcorp
Classification: Uncertain significance for Lipoic acid synthetase deficiency. Last evaluated: 2020-01-21. Review status: criteria provided, single submitter. Criteria: Invitae Variant Classification Sherloc (09022015). Collection method: clinical testing. Allele origin: germline.
Comment: This sequence change replaces aspartic acid with glutamic acid at codon 371 of the LIAS protein (p.Asp371Glu). The aspartic acid residue is weakly conserved and there is a small physicochemical difference between aspartic acid and glutamic acid. This variant is not present in population databases (ExAC no frequency). This variant has not been reported in the literature in individuals with LIAS-related conditions. Algorithms developed to predict the effect of missense changes on protein structure and function (SIFT, PolyPhen-2, Align-GVGD) all suggest that this variant is likely to be tolerated, but these predictions have not been confirmed by published functional studies and their clinical significance is uncertain. In summary, the available evidence is currently insufficient to determine the role of this variant in disease. Therefore, it has been classified as a Variant of Uncertain Significance.